The following is an entry in ClinVar:

ClinVar aggregate classification (germline): Pathogenic. Review status: criteria provided, multiple submitters, no conflicts (2 of 4 stars). 3 submissions from 3 submitters: Pathogenic (3). Last evaluated 2026-02-25.

Conditions:
Hereditary cancer-predisposing syndrome. Also called: Neoplastic Syndromes, Hereditary; Tumor predisposition; Hereditary Cancer Syndrome; Hereditary neoplastic syndrome. Identifiers: Orphanet 140162, MedGen C0027672, MeSH D009386, MONDO:0015356.
Familial cancer of breast. Also called: BREAST CANCER, FAMILIAL; Hereditary breast cancer; hereditary breast carcinoma. Identifiers: Orphanet 227535, MedGen C0346153, MONDO:0016419, OMIM 114480. Disease mechanism: loss of function.

Submissions (3):

Ambry Genetics
Classification: Pathogenic for Hereditary cancer-predisposing syndrome. Last evaluated: 2026-02-25. Review status: criteria provided, single submitter. Criteria: Ambry Variant Classification Scheme 2023. Collection method: clinical testing. Allele origin: germline.
Comment: The c.1415delA pathogenic mutation, located in coding exon 12 of the CHEK2 gene, results from a deletion of one nucleotide at nucleotide position 1415, causing a translational frameshift with a predicted alternate stop codon (p.K472Rfs*10). This variant is considered to be rare based on population cohorts in the Genome Aggregation Database (gnomAD). This alteration is expected to result in loss of function by premature protein truncation or nonsense-mediated mRNA decay. As such, this alteration is interpreted as a disease-causing mutation.

Myriad Genetics, Inc.
Classification: Pathogenic for Familial cancer of breast. Last evaluated: 2023-06-28. Review status: criteria provided, single submitter. Criteria: Myriad Autosomal Dominant, Autosomal Recessive and X-Linked Classification Criteria (2023). Collection method: clinical testing. Allele origin: unknown.
Comment: This variant is considered pathogenic. This variant creates a frameshift predicted to result in premature protein truncation.

Labcorp Genetics (formerly Invitae), Labcorp
Classification: Pathogenic for Familial cancer of breast. Last evaluated: 2022-07-31. Review status: criteria provided, single submitter. Criteria: Invitae Variant Classification Sherloc (09022015). Collection method: clinical testing. Allele origin: germline.
Comment: This sequence change creates a premature translational stop signal (p.Lys472Argfs*10) in the CHEK2 gene. It is expected to result in an absent or disrupted protein product. Loss-of-function variants in CHEK2 are known to be pathogenic (PMID: 21876083, 24713400). This variant is not present in population databases (gnomAD no frequency). This variant has not been reported in the literature in individuals affected with CHEK2-related conditions. For these reasons, this variant has been classified as Pathogenic.

Literature cited by the submitters: PubMed 21876083 (cited by Labcorp Genetics (formerly Invitae), Labcorp); PubMed 24713400 (cited by Labcorp Genetics (formerly Invitae), Labcorp).

NM_007194.4(CHEK2):c.1415del (p.Lys472fs)

Gene: CHEK2 (checkpoint kinase 2; minus strand). Cytogenetic location: 22q12.1.
Variant type: Deletion.
Coding change: c.1415del on transcript NM_007194.4 (MANE Select); coding-DNA position 1415, one base deleted (A; older notation c.1415delA).
Protein change: p.Lys472fs; shifts the reading frame from lysine 472.
Molecular consequence: frameshift variant.
Genome position (GRCh38, 1-based): chr22:28,694,078, T deleted on the plus strand (A on the coding strand, the reverse complement: CHEK2 is on the minus strand); the first of 3 consecutive T bases (chr22:28,694,078-28,694,080); deleting any one gives the same sequence. VCF-style (leftmost placement, unchanged base first): chr22-28694077-CT-C. GRCh37 (hg19) VCF-style: chr22-29090065-CT-C.
Other names: c.1542delA, p.Lys515Argfs (NM_001005735.3); c.750delA, p.Lys251Argfs (NM_001257387.3); c.1212delA, p.Lys405Argfs (NM_001349956.3); c.1326delA, p.Lys443Argfs (NM_145862.3); c.1415delA (NM_007194.3); short protein forms K251fs, K472fs, K515fs, K443fs, K405fs.
Identifiers: ClinVar variation 2020900 (VCV002020900.7), dbSNP rs1319009992, ClinGen allele CA638797477.